The following is an entry in ClinVar:

ClinVar aggregate classification (germline): Uncertain significance. Review status: criteria provided, multiple submitters, no conflicts (2 of 4 stars). 3 submissions from 3 submitters: Uncertain significance (3). Last evaluated 2024-05-07.

Conditions:
Ehlers-Danlos syndrome, classic type, 1 (EDSCL1). Also called: EHLERS-DANLOS SYNDROME, GRAVIS TYPE; EHLERS-DANLOS SYNDROME, SEVERE CLASSIC TYPE; Ehlers-Danlos syndrome, type 1; EDS I; Ehlers-Danlos Syndrome, Classic Type, COL5A1-Related. Identifiers: MedGen C0268335, MONDO:0019567, OMIM 130000.
Familial thoracic aortic aneurysm and aortic dissection (TAAD). Also called: Thoracic aortic aneurysms and dissections. Identifiers: Orphanet 91387, MedGen C4707243, MONDO:0019625.

Allele frequency attached by ClinVar (database versions not stated): ExAC 0.00002; gnomAD 0.00001.
gnomAD v4.1: 13 of 1,613,696 alleles (0.00081%); highest among the groups gnomAD compares: East Asian, 0.0022%; no homozygotes.

Submissions (3):

Labcorp Genetics (formerly Invitae), Labcorp
Classification: Uncertain significance for Ehlers-Danlos syndrome, classic type, 1. Last evaluated: 2024-05-07. Review status: criteria provided, single submitter. Criteria: Invitae Variant Classification Sherloc (09022015). Collection method: clinical testing. Allele origin: germline.
Comment: This sequence change replaces proline, which is neutral and non-polar, with leucine, which is neutral and non-polar, at codon 1359 of the COL5A2 protein (p.Pro1359Leu). This variant is present in population databases (rs745580343, gnomAD 0.003%). This variant has not been reported in the literature in individuals affected with COL5A2-related conditions. ClinVar contains an entry for this variant (Variation ID: 1303311). Advanced modeling of protein sequence and biophysical properties (such as structural, functional, and spatial information, amino acid conservation, physicochemical variation, residue mobility, and thermodynamic stability) performed at Invitae indicates that this missense variant is not expected to disrupt COL5A2 protein function with a negative predictive value of 80%. In summary, the available evidence is currently insufficient to determine the role of this variant in disease. Therefore, it has been classified as a Variant of Uncertain Significance.

Ambry Genetics
Classification: Uncertain significance for Familial thoracic aortic aneurysm and aortic dissection. Last evaluated: 2023-12-15. Review status: criteria provided, single submitter. Criteria: Ambry Variant Classification Scheme 2023. Collection method: clinical testing. Allele origin: germline.
Comment: The p.P1359L variant (also known as c.4076C>T), located in coding exon 52 of the COL5A2 gene, results from a C to T substitution at nucleotide position 4076. The proline at codon 1359 is replaced by leucine, an amino acid with similar properties. This amino acid position is highly conserved in available vertebrate species. In addition, the in silico prediction for this alteration is inconclusive. Since supporting evidence is limited at this time, the clinical significance of this alteration remains unclear.

GeneDx
Classification: Uncertain significance. Last evaluated: 2020-09-25. Review status: criteria provided, single submitter. Criteria: GeneDx Variant Classification Process June 2021. Collection method: clinical testing. Allele origin: germline. Affected: yes.
Comment: Has not been previously published as pathogenic or benign to our knowledge; Not observed at a significant frequency in large population cohorts (Lek et al., 2016); In silico analysis supports that this missense variant has a deleterious effect on protein structure/function; Not located in the triple helical region, where the majority of pathogenic missense variants occur (Symoens et al., 2012; Stenson et al., 2014)

NM_000393.5(COL5A2):c.4076C>T (p.Pro1359Leu)

Gene: COL5A2 (collagen type V alpha 2 chain; minus strand). Cytogenetic location: 2q32.2.
Variant type: single nucleotide variant.
Coding change: c.4076C>T on transcript NM_000393.5 (MANE Select); coding-DNA position 4076, C replaced by T.
Protein change: p.Pro1359Leu; replaces proline 1359 with leucine.
Molecular consequence: missense variant.
Genome position (GRCh38, 1-based): chr2:189,036,653, G>A on the plus strand (C>T on the coding strand, the complement: COL5A2 is on the minus strand). VCF-style: chr2-189036653-G-A. GRCh37 (hg19) VCF-style: chr2-189901379-G-A.
Other names: short protein forms P1359L.
Identifiers: ClinVar variation 1303311 (VCV001303311.10), dbSNP rs745580343, ClinGen allele CA2021867.